The following is an entry in ClinVar:

NM_014915.3(ANKRD26):c.4630C>G (p.Gln1544Glu)

Gene: ANKRD26 (ankyrin repeat domain 26; minus strand). Cytogenetic location: 10p12.1.
Variant type: single nucleotide variant.
Coding change: c.4630C>G on transcript NM_014915.3 (MANE Select); coding-DNA position 4630, C replaced by G.
Protein change: p.Gln1544Glu; replaces glutamine 1544 with glutamic acid.
Molecular consequence: missense variant.
Genome position (GRCh38, 1-based): chr10:27,014,588, G>C on the plus strand (C>G on the coding strand, the complement: ANKRD26 is on the minus strand). VCF-style: chr10-27014588-G-C. GRCh37 (hg19) VCF-style: chr10-27303517-G-C.
Other names: c.4627C>G, p.Gln1543Glu (NM_001256053.2); short protein forms Q1543E, Q1544E.
Identifiers: ClinVar variation 5023688 (VCV005023688.1).

ClinVar aggregate classification (germline): Uncertain significance (1 of 4 stars; one submission).

Conditions:
Inborn genetic diseases. Identifiers: MedGen C0950123, MeSH D030342.

Submission:

Ambry Genetics
Classification: Uncertain significance for Inborn genetic diseases. Last evaluated: 2026-08-28. Review status: criteria provided, single submitter. Criteria: Ambry Variant Classification Scheme 2023. Collection method: clinical testing. Allele origin: germline.
Comment: The p.Q1544E variant (also known as c.4630C>G), located in coding exon 31 of the ANKRD26 gene, results from a C to G substitution at nucleotide position 4630. The glutamine at codon 1544 is replaced by glutamic acid, an amino acid with highly similar properties. This amino acid position is conserved. In addition, this alteration is predicted to be tolerated by in silico analysis. Based on the available evidence, the clinical significance of this variant remains unclear.